The following is an entry in ClinVar:

ClinVar aggregate classification (germline): Uncertain significance (0 of 4 stars; one submission).

Conditions:
SMARCA2-related disorder. Also called: SMARCA2-related condition.

Submission:

PreventionGenetics, part of Exact Sciences
Classification: Uncertain significance for SMARCA2-related condition. Last evaluated: 2023-11-09. Review status: no assertion criteria provided. Collection method: clinical testing. Allele origin: germline.
Comment: The SMARCA2 c.876_878delCGC variant is predicted to result in an in-frame deletion (p.Ala295del). To our knowledge, this variant has not been reported in the literature or in a large population database, indicating this variant is rare. At this time, the clinical significance of this variant is uncertain due to the absence of conclusive functional and genetic evidence.

NM_003070.5(SMARCA2):c.876_878del (p.Ala295del)

Gene: SMARCA2 (SWI/SNF related BAF chromatin remodeling complex subunit ATPase 2; plus strand). Cytogenetic location: 9p24.3.
Variant type: Deletion.
Coding change: c.876_878del on transcript NM_003070.5 (MANE Select); coding-DNA positions 876 to 878, 3 bases deleted (CGC; older notation c.876_878delCGC).
Protein change: p.Ala295del; deletes alanine 295.
Molecular consequence: inframe deletion. On other transcripts: inframe indel (1).
Genome position (GRCh38, 1-based): chr9:2,047,314-2,047,316, CGC deleted; deleting any 3 consecutive bases within chr9:2,047,313-2,047,316 gives the same sequence; the c. name uses the placement nearest the transcript's 3' end. VCF-style (leftmost placement, unchanged base first): chr9-2047312-CCCG-C. GRCh37 (hg19) VCF-style: chr9-2047312-CCCG-C.
Other names: c.876_878delCGC, p.Ala295del (NM_001289396.2); c.876_878del, p.Ala295del (NM_001289397.2, NM_139045.4); short protein forms A295del.
Identifiers: ClinVar variation 3033513 (VCV003033513.2), dbSNP rs1819903050, ClinGen allele CA1827904612.